The following is an entry in ClinVar:

NM_005732.4(RAD50):c.2447T>C (p.Leu816Pro)

Gene: RAD50 (RAD50 double strand break repair protein; plus strand). Cytogenetic location: 5q31.1.
Variant type: single nucleotide variant.
Coding change: c.2447T>C on transcript NM_005732.4 (MANE Select); coding-DNA position 2447, T replaced by C.
Protein change: p.Leu816Pro; replaces leucine 816 with proline.
Molecular consequence: missense variant.
Genome position (GRCh38, 1-based): chr5:132,603,969, T>C. VCF-style: chr5-132603969-T-C. GRCh37 (hg19) VCF-style: chr5-131939661-T-C.
Other names: short protein forms L816P.
Identifiers: ClinVar variation 3224961 (VCV003224961.1), dbSNP rs2479666199, ClinGen allele CA360955550.

ClinVar aggregate classification (germline): Uncertain significance (1 of 4 stars; one submission).

Conditions:
Hereditary cancer-predisposing syndrome. Also called: Neoplastic Syndromes, Hereditary; Tumor predisposition; Hereditary neoplastic syndrome; Hereditary Cancer Syndrome. Identifiers: Orphanet 140162, MedGen C0027672, MeSH D009386, MONDO:0015356.

Submission:

Ambry Genetics
Classification: Uncertain significance for Hereditary cancer-predisposing syndrome. Last evaluated: 2024-01-21. Review status: criteria provided, single submitter. Criteria: Ambry Variant Classification Scheme 2023. Collection method: clinical testing. Allele origin: germline.
Comment: The p.L816P variant (also known as c.2447T>C), located in coding exon 15 of the RAD50 gene, results from a T to C substitution at nucleotide position 2447. The leucine at codon 816 is replaced by proline, an amino acid with similar properties. This amino acid position is conserved. In addition, this alteration is predicted to be deleterious by in silico analysis. Based on the available evidence, the clinical significance of this alteration remains unclear.